The following is an entry in ClinVar:

NM_006767.4(LZTR1):c.1682_1683delinsAT (p.Arg561His)

Gene: LZTR1 (leucine zipper like post translational regulator 1; plus strand). Cytogenetic location: 22q11.21.
Variant type: Indel.
Coding change: c.1682_1683delinsAT on transcript NM_006767.4 (MANE Select); coding-DNA positions 1682 to 1683, GC replaced by AT.
Protein change: p.Arg561His; replaces arginine 561 with histidine.
Molecular consequence: missense variant.
Genome position (GRCh38, 1-based): chr22:20,994,624-20,994,625, GC replaced by AT. VCF-style: chr22-20994624-GC-AT. GRCh37 (hg19) VCF-style: chr22-21348913-GC-AT.
Other names: short protein forms R561H.
Identifiers: ClinVar variation 3541571 (VCV003541571.3).

ClinVar aggregate classification (germline): Uncertain significance. Review status: criteria provided, multiple submitters, no conflicts (2 of 4 stars). 2 submissions from 2 submitters: Uncertain significance (2). Last evaluated 2024-07-11.

Conditions:
Hereditary cancer-predisposing syndrome. Also called: Hereditary Cancer Syndrome; Hereditary neoplastic syndrome; Tumor predisposition; Neoplastic Syndromes, Hereditary. Identifiers: Orphanet 140162, MedGen C0027672, MeSH D009386, MONDO:0015356.
Cardiovascular phenotype. Identifiers: MedGen CN230736.

Submissions (2):

Ambry Genetics
Classification: Uncertain significance for Cardiovascular phenotype; Hereditary cancer-predisposing syndrome. Last evaluated: 2024-07-11. Review status: criteria provided, single submitter. Criteria: Ambry Variant Classification Scheme 2023. Collection method: clinical testing. Allele origin: germline.
Comment: The c.1682_1683delGCinsAT variant (also known as p.R561H), located in coding exon 15 of the LZTR1 gene, results from an in-frame deletion of GC and insertion of AT at nucleotide positions 1682 to 1683. This results in the substitution of the arginine residue for a histidine residue at codon 561, an amino acid with highly similar properties. This amino acid position is highly conserved in available vertebrate species. In addition, the in silico prediction for this alteration is inconclusive (Choi Y et al. PLoS ONE. 2012; 7(10):e46688). Since supporting evidence is limited at this time, the clinical significance of this alteration remains unclear.

Labcorp Genetics (formerly Invitae), Labcorp
Classification: Uncertain significance. Last evaluated: 2024-03-09. Review status: criteria provided, single submitter. Criteria: Invitae Variant Classification Sherloc (09022015). Collection method: clinical testing. Allele origin: germline.
Comment: This sequence change replaces arginine, which is basic and polar, with histidine, which is basic and polar, at codon 561 of the LZTR1 protein (p.Arg561His). Information on the frequency of this variant in the gnomAD database is not available, as this variant may be reported differently in the database. This variant has not been reported in the literature in individuals affected with LZTR1-related conditions. An algorithm developed to predict the effect of missense changes on protein structure and function (PolyPhen-2) suggests that this variant is likely to be disruptive. In summary, the available evidence is currently insufficient to determine the role of this variant in disease. Therefore, it has been classified as a Variant of Uncertain Significance.